The following is an entry in ClinVar:

NM_001005242.3(PKP2):c.1392T>C (p.Asn464=)

Gene: PKP2 (plakophilin 2; minus strand). Cytogenetic location: 12p11.21.
Variant type: single nucleotide variant.
Coding change: c.1392T>C on transcript NM_001005242.3 (MANE Select); coding-DNA position 1392, T replaced by C.
Protein change: p.Asn464=; no amino-acid change (asparagine 464 retained).
Molecular consequence: synonymous variant.
Genome position (GRCh38, 1-based): chr12:32,841,192, A>G on the plus strand (T>C on the coding strand, the complement: PKP2 is on the minus strand). VCF-style: chr12-32841192-A-G. GRCh37 (hg19) VCF-style: chr12-32994126-A-G.
Other names: c.1065T>C, p.Asn355= (NM_001407160.1, NM_001407162.1, NM_001407158.1 and 1 more transcripts); c.1392T>C, p.Asn464= (NM_001407161.1, NM_001407155.1, NM_001407156.1); c.1524T>C, p.Asn508= (NM_004572.4, NM_001407157.1).
Identifiers: ClinVar variation 3387477 (VCV003387477.1).

ClinVar aggregate classification (germline): Likely benign (1 of 4 stars; one submission).

Conditions:
Arrhythmogenic right ventricular cardiomyopathy (ARVD). Also called: Arrhythmogenic right ventricular dysplasia; Cardiomyopathy, ARVC; Arrhythmogenic cardiomyopathy; Arrhythmogenic Right Ventricular Cardiomyopathy (ARVC). Identifiers: Orphanet 247, MedGen C0349788, MeSH D019571, MONDO:0016587. Disease mechanism: loss of function. Inheritance: Various modes of inheritance.

Submission:

All of Us Research Program, National Institutes of Health
Classification: Likely benign for Arrhythmogenic right ventricular cardiomyopathy. Last evaluated: 2024-05-14. Review status: criteria provided, single submitter. Criteria: ACMG Guidelines, 2015. Collection method: clinical testing. Allele origin: germline. Inheritance: Autosomal dominant inheritance. Observed: 1 variant allele, 1 heterozygote.
Comment: This study involves interpretation of variants in research participants for the purpose of population health screening. Participant phenotype was not available at the time of variant classification. Additional details can be found in publication PMID: 35346344, PMCID: PMC8962531